The following is an entry in ClinVar:

ClinVar aggregate classification (germline): Uncertain significance (1 of 4 stars; one submission).

Conditions:
Early Myoclonic Encephalopathy. Identifiers: MedGen C0270855.

Allele frequency attached by ClinVar (database versions not stated): ExAC 0.00001; 1000 Genomes Project 30x 0.00016; gnomAD 0.00001; gnomAD exomes 0.00001 and 0.00002; TOPMed 0.00001; 1000 Genomes Project 0.00020.
gnomAD v4.1: 9 of 1,614,134 alleles (0.00056%); highest among the groups gnomAD compares: Admixed American, 0.015%; no homozygotes.

Submission:

Labcorp Genetics (formerly Invitae), Labcorp
Classification: Uncertain significance for Early Myoclonic Encephalopathy. Last evaluated: 2024-06-26. Review status: criteria provided, single submitter. Criteria: Invitae Variant Classification Sherloc (09022015). Collection method: clinical testing. Allele origin: germline.
Comment: This sequence change replaces asparagine, which is neutral and polar, with aspartic acid, which is acidic and polar, at codon 525 of the JMJD1C protein (p.Asn525Asp). This variant is present in population databases (rs188760754, gnomAD 0.02%). This variant has not been reported in the literature in individuals affected with JMJD1C-related conditions. ClinVar contains an entry for this variant (Variation ID: 460221). Advanced modeling of protein sequence and biophysical properties (such as structural, functional, and spatial information, amino acid conservation, physicochemical variation, residue mobility, and thermodynamic stability) performed at Invitae indicates that this missense variant is expected to disrupt JMJD1C protein function with a positive predictive value of 80%. In summary, the available evidence is currently insufficient to determine the role of this variant in disease. Therefore, it has been classified as a Variant of Uncertain Significance.

NM_032776.3(JMJD1C):c.1573A>G (p.Asn525Asp)

Gene: JMJD1C (jumonji domain containing 1C; minus strand). Cytogenetic location: 10q21.3.
Variant type: single nucleotide variant.
Coding change: c.1573A>G on transcript NM_032776.3 (MANE Select); coding-DNA position 1573, A replaced by G.
Protein change: p.Asn525Asp; replaces asparagine 525 with aspartic acid.
Molecular consequence: missense variant. On other transcripts: non-coding transcript variant (1).
Genome position (GRCh38, 1-based): chr10:63,214,594, T>C on the plus strand (A>G on the coding strand, the complement: JMJD1C is on the minus strand). VCF-style: chr10-63214594-T-C. GRCh37 (hg19) VCF-style: chr10-64974354-T-C.
Other names: c.1027A>G, p.Asn343Asp (NM_001282948.2, NM_001318154.2); c.709A>G, p.Asn237Asp (NM_001318153.2); c.1459A>G, p.Asn487Asp (NM_001322252.2); c.916A>G, p.Asn306Asp (NM_001322254.2, NM_001322258.2); short protein forms N525D, N237D, N343D, N306D, N487D.
Identifiers: ClinVar variation 460221 (VCV000460221.11), dbSNP rs188760754, ClinGen allele CA5518782.
Genomic context (GRCh38, chr10:63,214,594, plus strand): 5'-TTGAATCACTAACATTAGGATCCATTTTCTGAAGTGTCTGAAGGCCAAAGGTACTTGAGT[T>C]TTCCTGAGCCACCTTTTCTAAATTAGTGTCATTTGTAATATCAATAACACATTTTGGTGT-3'
Protein context (NP_116165.1, residues 515-535): DTNLEKVAQE[Asn525Asp]SSTFGLQTLQ